The following is an entry in ClinVar:

NM_000048.4(ASL):c.1055C>T (p.Thr352Met)

Gene: ASL (argininosuccinate lyase; plus strand). Cytogenetic location: 7q11.21.
Variant type: single nucleotide variant.
Coding change: c.1055C>T on transcript NM_000048.4 (MANE Select); coding-DNA position 1055, C replaced by T.
Protein change: p.Thr352Met; replaces threonine 352 with methionine.
Molecular consequence: missense variant.
Genome position (GRCh38, 1-based): chr7:66,089,688, C>T. VCF-style: chr7-66089688-C-T. GRCh37 (hg19) VCF-style: chr7-65554675-C-T.
Other names: c.1055C>T, p.Thr352Met (NM_001024943.2); c.995C>T, p.Thr332Met (NM_001024944.2); c.977C>T, p.Thr326Met (NM_001024946.2); short protein forms T332M, T352M, T326M.
Identifiers: ClinVar variation 3708539 (VCV003708539.1).

ClinVar aggregate classification (germline): Uncertain significance (1 of 4 stars; one submission).

Conditions:
Argininosuccinate lyase deficiency. Also called: ARGININOSUCCINIC ACID LYASE DEFICIENCY; ASL DEFICIENCY; Argininosuccinic aciduria. Identifiers: Orphanet 23, MedGen C0268547, MONDO:0008815, OMIM 207900, HP:0025630.

gnomAD v4.1: 44 of 1,613,248 alleles (0.0027%); highest among the groups gnomAD compares: South Asian, 0.012%; no homozygotes.

Submission:

Labcorp Genetics (formerly Invitae), Labcorp
Classification: Uncertain significance for Argininosuccinate lyase deficiency. Last evaluated: 2025-01-06. Review status: criteria provided, single submitter. Criteria: Invitae Variant Classification Sherloc (09022015). Collection method: clinical testing. Allele origin: germline.
Comment: This sequence change replaces threonine, which is neutral and polar, with methionine, which is neutral and non-polar, at codon 352 of the ASL protein (p.Thr352Met). This variant is present in population databases (rs778692269, gnomAD 0.01%). This variant has not been reported in the literature in individuals affected with ASL-related conditions. Invitae Evidence Modeling of protein sequence and biophysical properties (such as structural, functional, and spatial information, amino acid conservation, physicochemical variation, residue mobility, and thermodynamic stability) indicates that this missense variant is expected to disrupt ASL protein function with a positive predictive value of 95%. In summary, the available evidence is currently insufficient to determine the role of this variant in disease. Therefore, it has been classified as a Variant of Uncertain Significance.